The following is an entry in ClinVar:

ClinVar aggregate classification (germline): Uncertain significance (1 of 4 stars; one submission).

Conditions:
Cardiomyopathy (CMYO). Also called: Cardiomyopathies. Identifiers: Orphanet 167848, MedGen C0878544, MONDO:0004994, HP:0001638. Inheritance: Various modes of inheritance.

Submission:

Color Diagnostics, LLC DBA Color Health
Classification: Uncertain significance for Cardiomyopathy. Last evaluated: 2024-08-05. Review status: criteria provided, single submitter. Criteria: ACMG Guidelines, 2015. Collection method: clinical testing. Allele origin: germline.
Comment: This missense variant replaces glutamic acid with glycine at codon 236 of the DSC2 protein. Computational prediction suggests that this variant may not impact protein structure and function (internally defined REVEL score threshold <= 0.5, PMID: 27666373). To our knowledge, functional studies have not been reported for this variant. This variant has not been reported in individuals affected with DSC2-related disorders in the literature. This variant has not been identified in the general population by the Genome Aggregation Database (gnomAD). The available evidence is insufficient to determine the role of this variant in disease conclusively. Therefore, this variant is classified as a Variant of Uncertain Significance.

NM_024422.6(DSC2):c.707A>G (p.Glu236Gly)

Gene: DSC2 (desmocollin 2; minus strand). Cytogenetic location: 18q12.1.
Variant type: single nucleotide variant.
Coding change: c.707A>G on transcript NM_024422.6 (MANE Select); coding-DNA position 707, A replaced by G.
Protein change: p.Glu236Gly; replaces glutamic acid 236 with glycine.
Molecular consequence: missense variant.
Genome position (GRCh38, 1-based): chr18:31,087,737, T>C on the plus strand (A>G on the coding strand, the complement: DSC2 is on the minus strand). VCF-style: chr18-31087737-T-C. GRCh37 (hg19) VCF-style: chr18-28667700-T-C.
Other names: c.278A>G, p.Glu93Gly (NM_001406506.1, NM_001406507.1); c.707A>G, p.Glu236Gly (NM_004949.5); short protein forms E236G, E93G.
Identifiers: ClinVar variation 3894027 (VCV003894027.1).